The following is an entry in ClinVar:

ClinVar aggregate classification (germline): Likely pathogenic. Review status: criteria provided, multiple submitters, no conflicts (2 of 4 stars). 2 submissions from 2 submitters: Likely pathogenic (2). Last evaluated 2024-08-31.

Conditions:
Charcot-Marie-Tooth disease type 4. Also called: Charcot-Marie-Tooth disease, type IV; Charcot-Marie-Tooth, Type 4. Identifiers: Orphanet 64749, MedGen C4082197, MONDO:0018995.

Allele frequency attached by ClinVar (database versions not stated): TOPMed 0.00001.

Submissions (2):

GeneDx
Classification: Likely pathogenic. Last evaluated: 2024-08-31. Review status: criteria provided, single submitter. Criteria: GeneDx Variant Classification Process June 2021. Collection method: clinical testing. Allele origin: germline. Affected: yes.
Comment: Canonical splice site variant predicted to result in a null allele in a gene for which loss of function is a known mechanism of disease; Not observed at significant frequency in large population cohorts (gnomAD); Has not been previously published as pathogenic or benign to our knowledge

Labcorp Genetics (formerly Invitae), Labcorp
Classification: Likely pathogenic for Charcot-Marie-Tooth disease type 4. Last evaluated: 2022-01-16. Review status: criteria provided, single submitter. Criteria: Invitae Variant Classification Sherloc (09022015). Collection method: clinical testing. Allele origin: germline.
Comment: This sequence change affects a donor splice site in intron 17 of the FIG4 gene. It is expected to disrupt RNA splicing. Variants that disrupt the donor or acceptor splice site typically lead to a loss of protein function (PMID: 16199547), and loss-of-function variants in FIG4 are known to be pathogenic (PMID: 23623387). This variant is not present in population databases (gnomAD no frequency). This variant has not been reported in the literature in individuals affected with FIG4-related conditions. Algorithms developed to predict the effect of sequence changes on RNA splicing suggest that this variant may disrupt the consensus splice site. In summary, the currently available evidence indicates that the variant is pathogenic, but additional data are needed to prove that conclusively. Therefore, this variant has been classified as Likely Pathogenic.

Literature cited by the submitters: PubMed 16199547 (cited by Labcorp Genetics (formerly Invitae), Labcorp); PubMed 23623387 (cited by Labcorp Genetics (formerly Invitae), Labcorp).

NM_014845.6(FIG4):c.1948+1G>A

Gene: FIG4 (FIG4 phosphoinositide 5-phosphatase; plus strand). Cytogenetic location: 6q21.
Variant type: single nucleotide variant.
Coding change: c.1948+1G>A on transcript NM_014845.6 (MANE Select); the canonical splice donor site of the intron after coding-DNA position 1948, G replaced by A.
Molecular consequence: splice donor variant.
Genome position (GRCh38, 1-based): chr6:109,785,029, G>A. VCF-style: chr6-109785029-G-A. GRCh37 (hg19) VCF-style: chr6-110106232-G-A.
Identifiers: ClinVar variation 1937852 (VCV001937852.6), dbSNP rs984638888, ClinGen allele CA145176317.